The following is an entry in ClinVar:

NM_001367624.2(ZNF469):c.4641T>A (p.Ser1547Arg)

Gene: ZNF469 (zinc finger protein 469; plus strand). Cytogenetic location: 16q24.2.
Variant type: single nucleotide variant.
Coding change: c.4641T>A on transcript NM_001367624.2 (MANE Select); coding-DNA position 4641, T replaced by A.
Protein change: p.Ser1547Arg; replaces serine 1547 with arginine.
Molecular consequence: missense variant.
Genome position (GRCh38, 1-based): chr16:88,432,111, T>A. VCF-style: chr16-88432111-T-A. GRCh37 (hg19) VCF-style: chr16-88498519-T-A.
Other names: NM_001127464.1:c.4557T>A; short protein forms S1547R.
Identifiers: ClinVar variation 3476278 (VCV003476278.1).
Genomic context (GRCh38, chr16:88,432,111, plus strand): 5'-GTGTCCCCCTGAACGGACAGTGGTTCCCGGCGCCGCCCCATCTTTGCCTGGGAAGGGGAG[T>A]GGATGTAGCGTTGCTCTTATGAGTCACCTGTCCGAGGATGAACTGGAGATCCAGAAATTG-3'
Protein context (NP_001354553.1, residues 1537-1557): GAAPSLPGKG[Ser1547Arg]GCSVALMSHL

ClinVar aggregate classification (germline): Uncertain significance (1 of 4 stars; one submission).

Conditions:
Cardiovascular phenotype. Identifiers: MedGen CN230736.

gnomAD v4.1: 10 of 1,549,392 alleles (0.00065%); highest among the groups gnomAD compares: South Asian, 0.012%; no homozygotes.

Submission:

Ambry Genetics
Classification: Uncertain significance for Cardiovascular phenotype. Last evaluated: 2024-11-17. Review status: criteria provided, single submitter. Criteria: Ambry Variant Classification Scheme 2023. Collection method: clinical testing. Allele origin: germline.
Comment: The p.S1519R variant (also known as c.4557T>A), located in coding exon 2 of the ZNF469 gene, results from a T to A substitution at nucleotide position 4557. The serine at codon 1519 is replaced by arginine, an amino acid with dissimilar properties. This amino acid position is conserved. In addition, this alteration is predicted to be tolerated by in silico analysis. Based on the available evidence, the clinical significance of this variant remains unclear.